The following is an entry in ClinVar:

ClinVar aggregate classification (germline): Uncertain significance (1 of 4 stars; one submission).

gnomAD v4.1: 1 of 1,612,462 alleles (0.000062%); highest among the groups gnomAD compares: Non-Finnish European, 0.000085%; no homozygotes.

Submission:

CeGaT Center for Human Genetics Tuebingen
Classification: Uncertain significance. Last evaluated: 2025-09-01. Review status: criteria provided, single submitter. Criteria: CeGaT Center For Human Genetics Tuebingen Variant Classification Criteria Version 2. Collection method: clinical testing. Allele origin: germline. Affected: yes. Observed: 1 variant allele.
Comment: SKI: PM2

NM_003036.4(SKI):c.1343C>G (p.Thr448Ser)

Gene: SKI (SKI proto-oncogene; plus strand). Cytogenetic location: 1p36.32.
Variant type: single nucleotide variant.
Coding change: c.1343C>G on transcript NM_003036.4 (MANE Select); coding-DNA position 1343, C replaced by G.
Protein change: p.Thr448Ser; replaces threonine 448 with serine.
Molecular consequence: missense variant.
Genome position (GRCh38, 1-based): chr1:2,303,971, C>G. VCF-style: chr1-2303971-C-G. GRCh37 (hg19) VCF-style: chr1-2235410-C-G.
Other names: short protein forms T448S.
Identifiers: ClinVar variation 4281435 (VCV004281435.7).